The following is an entry in ClinVar:

ClinVar aggregate classification (germline): Uncertain significance (1 of 4 stars; one submission).

Conditions:
Gastrointestinal stromal tumor. Also called: Gastrointestinal stromal tumor, somatic; Gastrointestinal stroma tumor. Identifiers: Orphanet 44890, MedGen C0238198, MeSH D046152, MONDO:0011719, OMIM 606764, HP:0100723.

Submission:

Labcorp Genetics (formerly Invitae), Labcorp
Classification: Uncertain significance for Gastrointestinal stromal tumor. Last evaluated: 2024-02-25. Review status: criteria provided, single submitter. Criteria: Invitae Variant Classification Sherloc (09022015). Collection method: clinical testing. Allele origin: germline.
Comment: This sequence change replaces glycine, which is neutral and non-polar, with aspartic acid, which is acidic and polar, at codon 3 of the KIT protein (p.Gly3Asp). This variant is not present in population databases (gnomAD no frequency). This variant has not been reported in the literature in individuals affected with KIT-related conditions. ClinVar contains an entry for this variant (Variation ID: 577559). An algorithm developed to predict the effect of missense changes on protein structure and function (PolyPhen-2) suggests that this variant is likely to be tolerated. In summary, the available evidence is currently insufficient to determine the role of this variant in disease. Therefore, it has been classified as a Variant of Uncertain Significance.

NM_000222.3(KIT):c.8G>A (p.Gly3Asp)

Gene: KIT (KIT proto-oncogene, receptor tyrosine kinase; plus strand). Cytogenetic location: 4q12.
Variant type: single nucleotide variant.
Coding change: c.8G>A on transcript NM_000222.3 (MANE Select); coding-DNA position 8, G replaced by A.
Protein change: p.Gly3Asp; replaces glycine 3 with aspartic acid.
Molecular consequence: missense variant.
Genome position (GRCh38, 1-based): chr4:54,658,022, G>A. VCF-style: chr4-54658022-G-A. GRCh37 (hg19) VCF-style: chr4-55524189-G-A.
Other names: c.8G>A, p.Gly3Asp (NM_001093772.2, NM_001385284.1, NM_001385285.1 and 4 more transcripts); short protein forms G3D.
Identifiers: ClinVar variation 577559 (VCV000577559.9), dbSNP rs1560366535, ClinGen allele CA356897838.